The following is an entry in ClinVar:

ClinVar aggregate classification (germline): Uncertain significance (1 of 4 stars; one submission).

Conditions:
Kabuki syndrome. Also called: NIIKAWA-KUROKI SYNDROME; Kabuki make-up syndrome. Identifiers: Orphanet 2322, MedGen C0796004, MONDO:0016512.

Submission:

Labcorp Genetics (formerly Invitae), Labcorp
Classification: Uncertain significance for Kabuki syndrome. Last evaluated: 2023-10-03. Review status: criteria provided, single submitter. Criteria: Invitae Variant Classification Sherloc (09022015). Collection method: clinical testing. Allele origin: germline.
Comment: This variant, c.1391_1417del, results in the deletion of 9 amino acid(s) of the KMT2D protein (p.Ala464_Glu472del), but otherwise preserves the integrity of the reading frame. This variant is not present in population databases (gnomAD no frequency). This variant has not been reported in the literature in individuals affected with KMT2D-related conditions. Experimental studies and prediction algorithms are not available or were not evaluated, and the functional significance of this variant is currently unknown. In summary, the available evidence is currently insufficient to determine the role of this variant in disease. Therefore, it has been classified as a Variant of Uncertain Significance.

NM_003482.4(KMT2D):c.1391_1417del (p.Ala464_Glu472del)

Gene: KMT2D (lysine methyltransferase 2D; minus strand). Cytogenetic location: 12q13.12.
Variant type: Deletion.
Coding change: c.1391_1417del on transcript NM_003482.4 (MANE Select); coding-DNA positions 1391 to 1417, 27 bases deleted (CATCACGCCTGTCACCACCACCTGAGG).
Protein change: p.Ala464_Glu472del.
Molecular consequence: inframe deletion.
Genome position (GRCh38, 1-based): chr12:49,052,266-49,052,292, CCTCAGGTGGTGGTGACAGGCGTGATG deleted on the plus strand (CATCACGCCTGTCACCACCACCTGAGG on the coding strand, the reverse complement: KMT2D is on the minus strand); deleting any 27 consecutive bases within chr12:49,052,266-49,052,305 gives the same sequence; the c. name uses the placement nearest the transcript's 3' end. VCF-style (leftmost placement, unchanged base first): chr12-49052265-TCCTCAGGTGGTGGTGACAGGCGTGATG-T. GRCh37 (hg19) VCF-style: chr12-49446048-TCCTCAGGTGGTGGTGACAGGCGTGATG-T.
Identifiers: ClinVar variation 3004524 (VCV003004524.3), dbSNP rs2498459828, ClinGen allele CA2618611042.